The following is an entry in ClinVar:

NM_000043.6(FAS):c.641_642delinsAC (p.Thr214Asn)

Gene: FAS (Fas cell surface death receptor; plus strand). Cytogenetic location: 10q23.31.
Variant type: Indel.
Coding change: c.641_642delinsAC on transcript NM_000043.6 (MANE Select); coding-DNA positions 641 to 642, CT replaced by AC.
Protein change: p.Thr214Asn; replaces threonine 214 with asparagine.
Molecular consequence: missense variant. On other transcripts: non-coding transcript variant (6), intron variant (1).
Genome position (GRCh38, 1-based): chr10:89,012,071-89,012,072, CT replaced by AC. VCF-style: chr10-89012071-CT-AC. GRCh37 (hg19) VCF-style: chr10-90771828-CT-AC.
Other names: c.578_579delinsAC, p.Thr193Asn (NM_152871.4); c.641_642delinsAC, p.Thr214Asn (NM_152872.4); c.568+1256_568+1257delinsAC (NM_001320619.2); short protein forms T214N, T193N.
Identifiers: ClinVar variation 933571 (VCV000933571.9), dbSNP rs1848560803, ClinGen allele CA1139661597.

ClinVar aggregate classification (germline): Uncertain significance (1 of 4 stars; one submission).

Conditions:
Autoimmune lymphoproliferative syndrome type 1. Also called: AUTOIMMUNE LYMPHOPROLIFERATIVE SYNDROME, TYPE I, AUTOSOMAL DOMINANT. Identifiers: Orphanet 3261, MedGen C2717884, MONDO:0011158, OMIM 601859.

Submission:

Labcorp Genetics (formerly Invitae), Labcorp
Classification: Uncertain significance for Autoimmune lymphoproliferative syndrome. Last evaluated: 2025-07-31. Review status: criteria provided, single submitter. Criteria: Invitae Variant Classification Sherloc (09022015). Collection method: clinical testing. Allele origin: germline.
Comment: This sequence change replaces threonine, which is neutral and polar, with asparagine, which is neutral and polar, at codon 214 of the FAS protein (p.Thr214Asn). This variant is present in population databases (no rsID available, gnomAD 0.01%). This variant has not been reported in the literature in individuals affected with FAS-related conditions. ClinVar contains an entry for this variant (Variation ID: 933571). An algorithm developed to predict the effect of missense changes on protein structure and function (PolyPhen-2) suggests that this variant is likely to be tolerated. In summary, the available evidence is currently insufficient to determine the role of this variant in disease. Therefore, it has been classified as a Variant of Uncertain Significance.